The following is an entry in ClinVar:

NM_001385001.1(MCTP2):c.1891-6T>C

Gene: MCTP2 (multiple C2 and transmembrane domain containing 2; plus strand). Cytogenetic location: 15q26.2.
Variant type: single nucleotide variant.
Coding change: c.1891-6T>C on transcript NM_001385001.1 (MANE Select); 6 bases into the intron before coding-DNA position 1891, T replaced by C.
Molecular consequence: intron variant.
Genome position (GRCh38, 1-based): chr15:94,399,915, T>C. VCF-style: chr15-94399915-T-C. GRCh37 (hg19) VCF-style: chr15-94943144-T-C.
Other names: c.1891-6T>C (NM_001385002.1, NM_001385003.1, NM_018349.4 and 5 more transcripts); c.1609-6T>C (NM_001385007.1); c.1393-6T>C (NM_001385009.1, NM_001385010.1); c.1573-6T>C (NM_001385011.1); c.655-6T>C (NM_001159644.2).
Identifiers: ClinVar variation 712623 (VCV000712623.6), dbSNP rs74029043, ClinGen allele CA7750180.

ClinVar aggregate classification (germline): Benign. Review status: criteria provided, single submitter (1 of 4 stars). 2 submissions from 2 submitters: Benign (1). 1 of the submissions does not count toward it. Last evaluated 2019-12-31.

Conditions:
MCTP2-related disorder. Also called: MCTP2-related condition.

Allele frequency attached by ClinVar (database versions not stated): gnomAD exomes 0.00078 and 0.00202; ExAC 0.00248; 1000 Genomes Project 30x 0.00671; 1000 Genomes Project 0.00719; gnomAD 0.00783 and 0.00846; TOPMed 0.00895; ESP Exome Variant Server 0.01001.
gnomAD v4.1: 2,375 of 1,613,570 alleles (0.15%); highest among the groups gnomAD compares: African/African-American, 2.8%; 24 homozygotes.

Submissions (2):

Labcorp Genetics (formerly Invitae), Labcorp
Classification: Benign. Last evaluated: 2019-12-31. Review status: criteria provided, single submitter. Criteria: Invitae Variant Classification Sherloc (09022015). Collection method: clinical testing. Allele origin: germline.

PreventionGenetics, part of Exact Sciences
Classification: Benign for MCTP2-related condition. Last evaluated: 2019-02-20. Review status: no assertion criteria provided. Collection method: clinical testing. Allele origin: germline. Not counted in ClinVar's aggregate classification.
Comment: This variant is classified as benign based on ACMG/AMP sequence variant interpretation guidelines (Richards et al. 2015 PMID: 25741868, with internal and published modifications).